The following is an entry in ClinVar:

ClinVar aggregate classification (germline): Uncertain significance. Review status: criteria provided, multiple submitters, no conflicts (2 of 4 stars). 2 submissions from 2 submitters: Uncertain significance (2). Last evaluated 2025-09-11.

Conditions:
Ehlers-Danlos syndrome, spondylodysplastic type, 2 (EDSSPD2). Also called: Ehlers-Danlos syndrome, progeroid type, 2. Identifiers: Orphanet 536467, Orphanet 75496, MedGen C3809210, MONDO:0014139, OMIM 615349.
Spondyloepimetaphyseal dysplasia with joint laxity (SEMDJL). Identifiers: MedGen C0432243, MONDO:0019675.

Allele frequency attached by ClinVar (database versions not stated): gnomAD 0.00001; gnomAD exomes 0.00001; TOPMed 0.00003.
gnomAD v4.1: 6 of 1,557,308 alleles (0.00039%); highest among the groups gnomAD compares: East Asian, 0.0024%; no homozygotes.

Submissions (2):

GeneDx
Classification: Uncertain significance. Last evaluated: 2025-09-11. Review status: criteria provided, single submitter. Criteria: GeneDx Variant Classification Process June 2021. Collection method: clinical testing. Allele origin: germline.
Comment: Not observed at significant frequency in large population cohorts (gnomAD); In silico analysis supports that this missense variant has a deleterious effect on protein structure/function; Has not been previously published as pathogenic or benign to our knowledge

Labcorp Genetics (formerly Invitae), Labcorp
Classification: Uncertain significance for Ehlers-Danlos syndrome, spondylodysplastic type, 2; Spondyloepimetaphyseal dysplasia with joint laxity. Last evaluated: 2025-05-06. Review status: criteria provided, single submitter. Criteria: Invitae Variant Classification Sherloc (09022015). Collection method: clinical testing. Allele origin: germline.
Comment: This sequence change replaces serine, which is neutral and polar, with phenylalanine, which is neutral and non-polar, at codon 244 of the B3GALT6 protein (p.Ser244Phe). The frequency data for this variant in the population databases is considered unreliable, as metrics indicate poor data quality at this position in the gnomAD database. This variant has not been reported in the literature in individuals affected with B3GALT6-related conditions. ClinVar contains an entry for this variant (Variation ID: 1699611). Invitae Evidence Modeling of protein sequence and biophysical properties (such as structural, functional, and spatial information, amino acid conservation, physicochemical variation, residue mobility, and thermodynamic stability) indicates that this missense variant is expected to disrupt B3GALT6 protein function with a positive predictive value of 80%. In summary, the available evidence is currently insufficient to determine the role of this variant in disease. Therefore, it has been classified as a Variant of Uncertain Significance.

NM_080605.4(B3GALT6):c.731C>T (p.Ser244Phe)

Gene: B3GALT6 (beta-1,3-galactosyltransferase 6; plus strand). Cytogenetic location: 1p36.33.
Variant type: single nucleotide variant.
Coding change: c.731C>T on transcript NM_080605.4 (MANE Select); coding-DNA position 731, C replaced by T.
Protein change: p.Ser244Phe; replaces serine 244 with phenylalanine.
Molecular consequence: missense variant.
Genome position (GRCh38, 1-based): chr1:1,233,009, C>T. VCF-style: chr1-1233009-C-T. GRCh37 (hg19) VCF-style: chr1-1168389-C-T.
Other names: short protein forms S244F.
Identifiers: ClinVar variation 1699611 (VCV001699611.6), dbSNP rs1381077083, ClinGen allele CA337828977.